The following continues an entry in ClinVar:

NM_000518.5(HBB):c.79G>A (p.Glu27Lys)

ClinVar aggregate classification (germline): Pathogenic. Pathogenic (38).

Submissions 24 to 36 of 45:

Baylor Genetics
Classification: Pathogenic for Hb SS disease. Last evaluated: 2022-03-10. Review status: criteria provided, single submitter. Criteria: ACMG Guidelines, 2015. Collection method: clinical testing. Allele origin: unknown.

Fulgent Genetics
Classification: Pathogenic for Heinz body anemia; Hereditary persistence of fetal hemoglobin; Dominant beta-thalassemia; Hb SS disease; alpha Thalassemia; Malaria, susceptibility to; Beta-thalassemia HBB/LCRB; METHEMOGLOBINEMIA, BETA TYPE; Erythrocytosis, familial, 6. Last evaluated: 2021-06-30. Review status: criteria provided, single submitter. Criteria: ACMG Guidelines, 2015. Collection method: clinical testing. Allele origin: unknown.
Comment: This variant has been detected in individual(s) who were sent for testing of Renasight - kidney gene panel.

Genetics and Genomic Medicine Centre, NeuroGen Healthcare, NeuroGen Healthcare
Classification: Pathogenic for Hereditary persistence of fetal hemoglobin. Last evaluated: 2020-09-22. Review status: criteria provided, single submitter. Criteria: Submitter's publication. Collection method: clinical testing. Allele origin: unknown. Affected: no.

Myriad Genetics, Inc.
Classification: Pathogenic for Beta-thalassemia HBB/LCRB. Last evaluated: 2019-11-18. Review status: criteria provided, single submitter. Criteria: Myriad Women's Health Autosomal Recessive and X-Linked Classification Criteria (2019). Collection method: clinical testing. Allele origin: unknown.
Comment: NM_000518.4(HBB):c.79G>A(E27K, aka Hb E) is classified as pathogenic and is associated with hemoglobin E disease. Sources cited for classification include the following: PMID: 17278112, 7177196, 7395858, 22028795, 6166632, and 24368026. Classification of NM_000518.4(HBB):c.79G>A(E27K, aka Hb E) is based on the following criteria: This is a well-established pathogenic variant in the literature that has been observed more frequently in patients with clinical diagnoses than in healthy populations. Please note: this variant was assessed in the context of healthy population screening.

Rady Children's Institute for Genomic Medicine, Rady Children's Hospital San Diego
Classification: Pathogenic for Anemia. Last evaluated: 2018-12-10. Review status: criteria provided, single submitter. Criteria: ACMG Guidelines, 2015. Collection method: clinical testing. Allele origin: germline. Affected: yes. Observed: 1 variant allele.
Comment: The c.79G>A variant is observed in 35/30782 (0.11%) alleles from individuals of South Asian background in the gnomAD population database. In silico splice prediction models predict that c.79G>A may enhance a cryptic splice donor site upstream of the natural splice donor site in intron 1, which may supplant the natural donor site. RNA studies demonstrate that this variant is associated with slow excision of intron 1 and alternative splicing into exon 1 (PMID 7177196). If c.79G>A does not alter splicing, it will result in the E27K missense change, also commonly referred to as E26K due to the use of alternative nomenclature. The E27K variant is a non-conservative amino acid substitution, which is likely to impact secondary protein structure as these residues differ in polarity, charge, size and/or other properties. Based on the available evidence, the c.79G>A, p.Glu27Lys is classified as Pathogenic.

Illumina Laboratory Services, Illumina
Classification: Pathogenic for Hemoglobin E disease. Last evaluated: 2018-08-14. Review status: criteria provided, single submitter. Criteria: ICSL Variant Classification Criteria 09 May 2019. Collection method: clinical testing. Allele origin: germline.
Comment: The HBB c.79G>A (p.Glu27Lys) variant, also referred to as p.Glu26Lys, is well-described and the singular cause of hemoglobin E disorder (HbE). Though common throughout the world, the p.Glu27Lys variant is found at the greatest frequency in Southeast Asia (Chen et al. 2012). Individuals who are heterozygous for the p.Glu27Lys variant are asymptomatic, while the clinical phenotypes of at least 85 individuals who are homozygous for the variant ranged from asymptomatic to mild to moderate hemolytic microcytic anemia with or without hepatosplenomegaly and jaundice (Prajantasen et al. 2014; Jayasree et al. 2016). Individuals compound heterozygous for p.Glu27Lys and a pathogenic variant for beta-thalassemia can have disease phenotypes ranging from beta-thalassemia intermedia to beta-thalassemia major (Origa et al. 2015). The p.Glu27Lys variant was identified in a compound heterozygous state with a pathogenic beta thalassmia variant in at least 38 individuals who were reported to have mild to moderate thalassemia, 29 of whom required treatment with blood transfusions (Tubsuwan et al. 2011). The variant is reported at a frequency of 0.015152 in the Kinh in Ho Chi Minh City, Vietnam, population of the 1000 Genomes Project. Functionally, the p.Glu27Lys variant is known to produce both a structurally abnormal Hb and a cryptic 5' splice site that causes abnormal mRNA splicing, and transgenic mice exclusively expressing human p.Glu27Lys had red blood cell mild oxidative stress arising in part from the molecular consequences of the p.Glu27Lys variant (Chen et al. 2012). Based on the collective evidence, the p.Glu27Lys variant is classified as pathogenic for hemoglobin E. This variant was observed by ICSL as part of a predisposition screen in an ostensibly healthy population.

Baylor Genetics
Classification: Pathogenic for Beta-thalassemia HBB/LCRB. Last evaluated: 2018-01-31. Review status: criteria provided, single submitter. Criteria: ACMG Guidelines, 2015. Collection method: clinical testing. Allele origin: maternal. Affected: yes.
Comment: This variant was determined to be pathogenic according to ACMG Guidelines, 2015 [PMID:25741868].

Ambry Genetics
Classification: Pathogenic for Inborn genetic diseases. Last evaluated: 2017-08-08. Review status: criteria provided, single submitter. Criteria: Ambry Variant Classification Scheme 2023. Collection method: clinical testing. Allele origin: germline.
Comment: The p.E27K pathogenic mutation (also known as c.79G>A, Hb E, and E26K), located in coding exon 1 of the HBB gene, results from a G to A substitution at nucleotide position 79. The glutamic acid at codon 27 is replaced by lysine, an amino acid with similar properties. Hb E is a common hemoglobin variant prevalent among Southeast Asian individuals. The combination of Hb E and beta-thalassemia is frequently associated with a moderately severe phenotype, due to a primary reduction of beta-E-globin synthesis resulting from decreased accumulation of beta-E-globin mRNA (Benz EJ et al. J. Clin. Invest., 1981 Jul;68:118-26). Abnormal RNA processing occurs due to activation of a cryptic splice donor site in exon 1 (Orkin SH et al. Nature, 1982 Dec;300:768-9). Overall, compound heterozygosity for Hb E beta-thalassemia may result in a variable phenotype ranging from asymptomatic to transfusion dependency, though Hb E beta-zero-thalassemia is typically severe and may be similar to thalassemia major or intermedia (Vichinsky E. Hematology Am Soc Hematol Educ Program, 2007;:79-83). Based on the supporting evidence, this alteration is interpreted as a disease-causing mutation.

Clinical Genetics and Genomics, Karolinska University Hospital
Classification: Pathogenic. Last evaluated: 2015-12-07. Review status: criteria provided, single submitter. Criteria: ACMG Guidelines, 2015. Collection method: clinical testing. Allele origin: germline. Affected: yes. Observed: 8 variant alleles.

HudsonAlpha Institute for Biotechnology
Classification: Pathogenic for Beta-thalassemia HBB/LCRB. Last evaluated: 2015-02-10. Review status: criteria provided, single submitter. Criteria: HA_assertions_20150911. Collection method: research. Allele origin: unknown. Observed: 1 variant allele. Study: CSER-HudsonAlpha.

Juno Genomics, Hangzhou Juno Genomics, Inc
Classification: Pathogenic for Malaria, susceptibility to; Hereditary persistence of fetal hemoglobin; Erythrocytosis, familial, 6; Heinz body anemia; METHEMOGLOBINEMIA, BETA TYPE; Hb SS disease; Dominant beta-thalassemia; Beta-thalassemia HBB/LCRB. Review status: criteria provided, single submitter. Criteria: ACMG Guidelines, 2015. Collection method: clinical testing. Allele origin: germline.
Comment: Well-established in vitro or in vivo functional studies supportive of a damaging effect on the gene or gene product.;Multiple lines of computational evidence support a deleterious effect on the gene or gene product.;For recessive disorders, detected in trans with a pathogenic variant.

Kasturba Medical College, Manipal, Kasturba Medical College, Manipal, Manipal Academy of Higher Education, Manipal, India
Classification: Pathogenic for Hemoglobin E/beta- thalassemia. Review status: criteria provided, single submitter. Criteria: ACMG Guidelines, 2015. Collection method: research. Allele origin: maternal. Inheritance: Autosomal recessive inheritance. Affected: yes. Observed: 1 heterozygote.

Lifecell International Pvt. Ltd
Classification: Pathogenic for Beta-thalassemia HBB/LCRB. Review status: criteria provided, single submitter. Criteria: ACMG Guidelines, 2015. Collection method: clinical testing. Allele origin: germline. Inheritance: Autosomal recessive inheritance. Affected: yes. Observed: 1 compound heterozygote.
Comment: A Heterozygous Missense variant c.79G>A in Exon 1 of the HBB gene that results in the amino acid substitution p.Glu27Lys was identified. The observed variant has a minor allele frequency of 0.00025/0.00006% in gnomAD exomes and genomes, respectively. The severity of the impact of this variant on the protein is medium, based on the effect of the protein and REVEL score . Rare Exome Variant Ensemble Learner (REVEL) is an ensembl method for predicting the pathogenicity of missense variants based on a combination of scores from 13 individual tools: MutPred, FATHMM v2.3, VEST 3.0, PolyPhen-2, SIFT, PROVEAN, MutationAssessor, MutationTaster, LRT, GERP++, SiPhy, phyloP, and phastCons. The REVEL score for an individual missense variant can range from 0 to 1, with higher scores reflecting greater likelihood that the variant is disease-causing. ClinVar has also classified this variant as Pathogenic (Variant ID: 15161). This variant has been identified in patients affected with beta-thalassemia (Tubsuwan A et al., 2011). Based on the above evidence this variant has been classified as Pathogenic according to the ACMG guidelines.